The following is an entry in ClinVar:

ClinVar aggregate classification (germline): Benign (1 of 4 stars; one submission).

Conditions:
Birt-Hogg-Dube syndrome 1 (BHD1). Also called: FIBROFOLLICULOMAS WITH TRICHODISCOMAS AND ACROCHORDONS. Identifiers: Orphanet 122, MedGen CN375946, MONDO:0800445, OMIM 135150.

Submission:

Myriad Genetics, Inc.
Classification: Benign for Birt-Hogg-Dube syndrome 1. Last evaluated: 2024-10-28. Review status: criteria provided, single submitter. Criteria: Myriad Autosomal Dominant, Autosomal Recessive and X-Linked Classification Criteria (2023). Collection method: clinical testing. Allele origin: unknown.
Comment: This variant is considered benign. This variant occurs in the non-coding 3' untranslated region of the gene, and is not expected to impact protein function.

NM_144997.7(FLCN):c.*7A>G

Gene: FLCN (folliculin; minus strand). Cytogenetic location: 17p11.2.
Variant type: single nucleotide variant.
Coding change: c.*7A>G on transcript NM_144997.7 (MANE Select); 7 bases downstream of the stop codon, A replaced by G.
Molecular consequence: 3 prime UTR variant.
Genome position (GRCh38, 1-based): chr17:17,213,648, T>C on the plus strand (A>G on the coding strand, the complement: FLCN is on the minus strand). VCF-style: chr17-17213648-T-C. GRCh37 (hg19) VCF-style: chr17-17116962-T-C.
Other names: c.*7A>G (NM_001353229.2, NM_001353230.2, NM_001353231.2).
Identifiers: ClinVar variation 3773351 (VCV003773351.1).